The following is an entry in ClinVar:

ClinVar aggregate classification (germline): Likely benign (1 of 4 stars; one submission).

Allele frequency attached by ClinVar (database versions not stated): 1000 Genomes Project 30x 0.01655; 1000 Genomes Project 0.01697; TOPMed 0.02367; gnomAD 0.02463 and 0.02513.
gnomAD v4.1: 3,815 of 152,300 alleles (2.5%); highest among the groups gnomAD compares: Non-Finnish European, 4.1%; 94 homozygotes.

Submission:

GeneDx
Classification: Likely benign. Last evaluated: 2018-06-16. Review status: criteria provided, single submitter. Criteria: GeneDx Variant Classification (06012015). Collection method: clinical testing. Allele origin: germline. Affected: yes.
Comment: This variant is considered likely benign or benign based on one or more of the following criteria: it is a conservative change, it occurs at a poorly conserved position in the protein, it is predicted to be benign by multiple in silico algorithms, and/or has population frequency not consistent with disease.

NM_001130987.2(DYSF):c.951+190G>T

Gene: DYSF (dysferlin; plus strand). Cytogenetic location: 2p13.2.
Variant type: single nucleotide variant.
Coding change: c.951+190G>T on transcript NM_001130987.2 (MANE Select); 190 bases into the intron after coding-DNA position 951, G replaced by T.
Molecular consequence: intron variant.
Genome position (GRCh38, 1-based): chr2:71,516,432, G>T. VCF-style: chr2-71516432-G-T. GRCh37 (hg19) VCF-style: chr2-71743562-G-T.
Other names: c.948+190G>T (NM_001130979.2, NM_001130981.2, NM_001130980.2); c.855+190G>T (NM_001130978.2, NM_003494.4, NM_001130977.2 and 1 more transcripts); c.951+190G>T (NM_001130982.2, NM_001130985.2); c.858+190G>T (NM_001130983.2, NM_001130455.2, NM_001130984.2 and 1 more transcripts).
Identifiers: ClinVar variation 677301 (VCV000677301.1), dbSNP rs77936231, ClinGen allele CA49761290.